The following is an entry in ClinVar:

NM_001159699.2(FHL1):c.866G>A (p.Cys289Tyr)

Gene: FHL1 (four and a half LIM domains 1; plus strand). Cytogenetic location: Xq26.3.
Variant type: single nucleotide variant.
Coding change: c.866G>A on transcript NM_001159699.2 (MANE Select); coding-DNA position 866, G replaced by A.
Protein change: p.Cys289Tyr; replaces cysteine 289 with tyrosine.
Molecular consequence: missense variant. On other transcripts: 3 prime UTR variant (6), non-coding transcript variant (1).
Genome position (GRCh38, 1-based): chrX:136,210,000, G>A. VCF-style: chrX-136210000-G-A. GRCh37 (hg19) VCF-style: chrX-135292159-G-A.
Other names: c.818G>A, p.Cys273Tyr (NM_001159700.2, NM_001159704.1, NM_001167819.1 and 4 more transcripts); c.905G>A, p.Cys302Tyr (NM_001159701.2); c.*46G>A (NM_001159702.3, NM_001159703.2, NM_001330659.2 and 3 more transcripts); short protein forms C302Y, C273Y, C289Y.
Identifiers: ClinVar variation 3660496 (VCV003660496.2).

ClinVar aggregate classification (germline): Uncertain significance (1 of 4 stars; one submission).

Conditions:
X-linked myopathy with postural muscle atrophy. Also called: FHL1-Related Emery-Dreifuss Muscular Dystrophy, X-Linked. Identifiers: Orphanet 178461, MedGen C2678055, MONDO:0010401, OMIM 300696.

Submission:

Labcorp Genetics (formerly Invitae), Labcorp
Classification: Uncertain significance for X-linked myopathy with postural muscle atrophy. Last evaluated: 2024-07-24. Review status: criteria provided, single submitter. Criteria: Invitae Variant Classification Sherloc (09022015). Collection method: clinical testing. Allele origin: germline.
Comment: This sequence change replaces cysteine, which is neutral and slightly polar, with tyrosine, which is neutral and polar, at codon 273 of the FHL1 protein (p.Cys273Tyr). This variant is not present in population databases (gnomAD no frequency). This variant has not been reported in the literature in individuals affected with FHL1-related conditions. An algorithm developed to predict the effect of missense changes on protein structure and function (PolyPhen-2) suggests that this variant is likely to be disruptive. In summary, the available evidence is currently insufficient to determine the role of this variant in disease. Therefore, it has been classified as a Variant of Uncertain Significance.